The following is an entry in ClinVar:

NM_004714.3(DYRK1B):c.1797T>C (p.Gly599=)

Gene: DYRK1B (dual specificity tyrosine phosphorylation regulated kinase 1B; minus strand). Cytogenetic location: 19q13.2.
Variant type: single nucleotide variant.
Coding change: c.1797T>C on transcript NM_004714.3 (MANE Select); coding-DNA position 1797, T replaced by C.
Protein change: p.Gly599=; no amino-acid change (glycine 599 retained).
Molecular consequence: synonymous variant.
Genome position (GRCh38, 1-based): chr19:39,825,808, A>G on the plus strand (T>C on the coding strand, the complement: DYRK1B is on the minus strand). VCF-style: chr19-39825808-A-G. GRCh37 (hg19) VCF-style: chr19-40316448-A-G.
Other names: c.1677T>C, p.Gly559= (NM_006483.3); c.1713T>C, p.Gly571= (NM_006484.3).
Identifiers: ClinVar variation 3054944 (VCV003054944.2), dbSNP rs943781686, ClinGen allele CA308296288.

ClinVar aggregate classification (germline): Likely benign (0 of 4 stars; one submission).

Conditions:
DYRK1B-related disorder. Also called: DYRK1B-related condition.

Allele frequency attached by ClinVar (database versions not stated): gnomAD exomes below 0.00001; TOPMed below 0.00001.
gnomAD v4.1: 1 of 1,597,278 alleles (0.000063%); highest among the groups gnomAD compares: Admixed American, 0.0018%; no homozygotes.

Submission:

PreventionGenetics, part of Exact Sciences
Classification: Likely benign for DYRK1B-related condition. Last evaluated: 2022-06-20. Review status: no assertion criteria provided. Collection method: clinical testing. Allele origin: germline.
Comment: This variant is classified as likely benign based on ACMG/AMP sequence variant interpretation guidelines (Richards et al. 2015 PMID: 25741868, with internal and published modifications).